The following is an entry in ClinVar:

ClinVar aggregate classification (germline): Uncertain significance. Review status: criteria provided, multiple submitters, no conflicts (2 of 4 stars). 8 submissions from 6 submitters: Uncertain significance (8). Last evaluated 2026-07-10.

Conditions:
Inborn genetic diseases. Identifiers: MedGen C0950123, MeSH D030342.
SPG11-related disorder. Also called: SPG11-related condition.
Charcot-Marie-Tooth disease axonal type 2X. Also called: CHARCOT-MARIE-TOOTH DISEASE, AXONAL, AUTOSOMAL RECESSIVE, TYPE 2X; CHARCOT-MARIE-TOOTH NEUROPATHY, TYPE 2X. Identifiers: Orphanet 466775, MedGen C5569024, MONDO:0014726, OMIM 616668.
Amyotrophic lateral sclerosis type 5 (ALS5). Also called: AMYOTROPHIC LATERAL SCLEROSIS 5, JUVENILE. Identifiers: Orphanet 300605, MedGen C1865864, MONDO:0011196, OMIM 602099.
Hereditary spastic paraplegia 11. Also called: SPASTIC PARAPLEGIA, AUTOSOMAL RECESSIVE, COMPLICATED, WITH THIN CORPUS CALLOSUM; SPASTIC PARAPLEGIA, AUTOSOMAL RECESSIVE, WITH MENTAL IMPAIRMENT AND THIN CORPUS CALLOSUM; Spastic Paraplegia 11; Nakamura Osame syndrome; Autosomal recessive hereditary spastic paraplegia, mental impairment, and thin corpus callosum; Spastic paraplegia, mental retardation and thin corpus callosum. Identifiers: Orphanet 2822, MedGen C1858479, MONDO:0011445, OMIM 604360.

Allele frequency attached by ClinVar (database versions not stated): gnomAD 0.00001; gnomAD exomes 0.00001 and 0.00005; TOPMed 0.00002; ExAC 0.00004.
gnomAD v4.1: 78 of 1,594,434 alleles (0.0049%); highest among the groups gnomAD compares: Non-Finnish European, 0.0062%; no homozygotes.

Submissions (8):

PreventionGenetics, part of Exact Sciences
Classification: Uncertain significance for SPG11-related condition. Last evaluated: 2026-07-10. Review status: criteria provided, single submitter. Criteria: ACMG Guidelines, 2015. Collection method: clinical testing. Allele origin: germline.
Comment: The SPG11 c.150G>C variant is predicted to result in the amino acid substitution p.Gln50His. To our knowledge, this variant has not been reported in the literature. This variant is reported in 0.0030% of alleles in individuals of European (Non-Finnish) descent in gnomAD. At this time, the clinical significance of this variant is uncertain due to the absence of conclusive functional and genetic evidence.

Athena Diagnostics
Classification: Uncertain significance. Last evaluated: 2025-03-05. Review status: criteria provided, single submitter. Criteria: Athena Diagnostics Criteria. Collection method: clinical testing. Allele origin: unknown.
Comment: Available data are insufficient to determine the clinical significance of the variant at this time. The frequency of this variant in the general population is uninformative in assessment of its pathogenicity. Polyphen and MutationTaster predict this amino acid change may be benign.

Labcorp Genetics (formerly Invitae), Labcorp
Classification: Uncertain significance for Hereditary spastic paraplegia 11. Last evaluated: 2022-07-15. Review status: criteria provided, single submitter. Criteria: Invitae Variant Classification Sherloc (09022015). Collection method: clinical testing. Allele origin: germline.
Comment: This sequence change replaces glutamine, which is neutral and polar, with histidine, which is basic and polar, at codon 50 of the SPG11 protein (p.Gln50His). This variant is present in population databases (rs745498485, gnomAD 0.003%). This variant has not been reported in the literature in individuals affected with SPG11-related conditions. ClinVar contains an entry for this variant (Variation ID: 862077). Algorithms developed to predict the effect of missense changes on protein structure and function are either unavailable or do not agree on the potential impact of this missense change (SIFT: "Deleterious"; PolyPhen-2: "Benign"; Align-GVGD: "Class C0"). In summary, the available evidence is currently insufficient to determine the role of this variant in disease. Therefore, it has been classified as a Variant of Uncertain Significance.

Ambry Genetics
Classification: Uncertain significance for Inborn genetic diseases. Last evaluated: 2022-05-12. Review status: criteria provided, single submitter. Criteria: Ambry Variant Classification Scheme 2023. Collection method: clinical testing. Allele origin: germline.
Comment: The p.Q50H variant (also known as c.150G>C), located in coding exon 1 of the SPG11 gene, results from a G to C substitution at nucleotide position 150. The glutamine at codon 50 is replaced by histidine, an amino acid with highly similar properties. This amino acid position is conserved. In addition, this alteration is predicted to be tolerated by in silico analysis. Since supporting evidence is limited at this time, the clinical significance of this alteration remains unclear.

CeGaT Center for Human Genetics Tuebingen
Classification: Uncertain significance. Last evaluated: 2022-03-01. Review status: criteria provided, single submitter. Criteria: CeGaT Center For Human Genetics Tuebingen Variant Classification Criteria Version 2. Collection method: clinical testing. Allele origin: germline. Affected: yes. Observed: 1 variant allele.
Comment: SPG11: PM2, BP4

Genome-Nilou Lab
Classification: Uncertain significance for Amyotrophic lateral sclerosis type 5. Review status: criteria provided, single submitter. Criteria: ACMG Guidelines, 2015. Collection method: clinical testing. Allele origin: germline.

Genome-Nilou Lab
Classification: Uncertain significance for Charcot-Marie-Tooth disease axonal type 2X. Review status: criteria provided, single submitter. Criteria: ACMG Guidelines, 2015. Collection method: clinical testing. Allele origin: germline.

Genome-Nilou Lab
Classification: Uncertain significance for Hereditary spastic paraplegia 11. Review status: criteria provided, single submitter. Criteria: ACMG Guidelines, 2015. Collection method: clinical testing. Allele origin: germline.

Literature cited by the submitters: PubMed 39044379 (cited by Athena Diagnostics).

NM_025137.4(SPG11):c.150G>C (p.Gln50His)

Gene: SPG11 (SPG11 vesicle trafficking associated, spatacsin; minus strand). Cytogenetic location: 15q21.1.
Variant type: single nucleotide variant.
Coding change: c.150G>C on transcript NM_025137.4 (MANE Select); coding-DNA position 150, G replaced by C.
Protein change: p.Gln50His; replaces glutamine 50 with histidine.
Molecular consequence: missense variant.
Genome position (GRCh38, 1-based): chr15:44,663,498, C>G on the plus strand (G>C on the coding strand, the complement: SPG11 is on the minus strand). VCF-style: chr15-44663498-C-G. GRCh37 (hg19) VCF-style: chr15-44955696-C-G.
Other names: c.150G>C, p.Gln50His (NM_001160227.2); short protein forms Q50H.
Identifiers: ClinVar variation 862077 (VCV000862077.41), dbSNP rs745498485, ClinGen allele CA7535940.